The following is an entry in ClinVar:

ClinVar aggregate classification (germline): Uncertain significance. Review status: criteria provided, multiple submitters, no conflicts (2 of 4 stars). 2 submissions from 2 submitters: Uncertain significance (2). Last evaluated 2024-03-20.

Conditions:
PKD1-related disorder. Also called: PKD1-related condition.
Polycystic kidney disease, adult type (PKD1). Also called: POLYCYSTIC KIDNEY DISEASE 1 WITH OR WITHOUT POLYCYSTIC LIVER DISEASE; Polycystic Kidney Disease 1, Autosomal Dominant; Polycystic kidney disease 1; Polycystic kidney disease 1, severe; Polycystic Kidney, Autosomal Dominant; POLYCYSTIC KIDNEY DISEASE, ADULT, TYPE I. Identifiers: MedGen C3149841, MONDO:0008263, OMIM 173900.

Allele frequency attached by ClinVar (database versions not stated): ExAC 0.00002; TOPMed 0.00003; gnomAD 0.00005; gnomAD exomes 0.00006.
gnomAD v4.1: 95 of 1,610,942 alleles (0.0059%); highest among the groups gnomAD compares: Non-Finnish European, 0.0078%; no homozygotes.

Submissions (2):

Fulgent Genetics
Classification: Uncertain significance for Polycystic kidney disease, adult type. Last evaluated: 2024-03-20. Review status: criteria provided, single submitter. Criteria: ACMG Guidelines, 2015. Collection method: clinical testing. Allele origin: germline.

PreventionGenetics, part of Exact Sciences
Classification: Uncertain significance for PKD1-related condition. Last evaluated: 2023-08-30. Review status: criteria provided, single submitter. Criteria: ACMG Guidelines, 2015. Collection method: clinical testing. Allele origin: germline.
Comment: The PKD1 c.5571G>A variant is not predicted to result in an amino acid change (p.=). This variant is predicted to create a cryptic splice acceptor site. To our knowledge, this variant has not been reported in the literature. This variant is reported in 0.0029% of alleles in individuals of Latino descent in gnomAD. This variant falls within a highly paralogous region. Allele frequency data should be interpreted with caution. At this time, the clinical significance of this variant is uncertain due to the absence of conclusive functional and genetic evidence.

NM_001009944.3(PKD1):c.5571G>A (p.Pro1857=)

Gene: PKD1 (polycystin 1, transient receptor potential channel interacting; minus strand). Cytogenetic location: 16p13.3.
Variant type: single nucleotide variant.
Coding change: c.5571G>A on transcript NM_001009944.3 (MANE Select); coding-DNA position 5571, G replaced by A.
Protein change: p.Pro1857=; no amino-acid change (proline 1857 retained).
Molecular consequence: synonymous variant.
Genome position (GRCh38, 1-based): chr16:2,109,596, C>T on the plus strand (G>A on the coding strand, the complement: PKD1 is on the minus strand). VCF-style: chr16-2109596-C-T. GRCh37 (hg19) VCF-style: chr16-2159597-C-T.
Other names: c.5571G>A, p.Pro1857= (NM_000296.4).
Identifiers: ClinVar variation 2629217 (VCV002629217.2), dbSNP rs564598290, ClinGen allele CA7831938.